The following is an entry in ClinVar:

ClinVar aggregate classification (germline): Uncertain significance (1 of 4 stars; one submission).

Conditions:
Townes syndrome (TBS). Also called: Townes-Brocks syndrome. Identifiers: Orphanet 857, MedGen C0265246, MeSH C536974, MONDO:0007142.

Allele frequency attached by ClinVar (database versions not stated): gnomAD exomes 0.00001; ExAC 0.00002.

Submission:

Labcorp Genetics (formerly Invitae), Labcorp
Classification: Uncertain significance for Townes syndrome. Last evaluated: 2024-10-06. Review status: criteria provided, single submitter. Criteria: Invitae Variant Classification Sherloc (09022015). Collection method: clinical testing. Allele origin: germline.
Comment: This sequence change replaces arginine, which is basic and polar, with lysine, which is basic and polar, at codon 732 of the SALL1 protein (p.Arg732Lys). This variant is present in population databases (rs774950085, gnomAD 0.003%). This variant has not been reported in the literature in individuals affected with SALL1-related conditions. Invitae Evidence Modeling of protein sequence and biophysical properties (such as structural, functional, and spatial information, amino acid conservation, physicochemical variation, residue mobility, and thermodynamic stability) indicates that this missense variant is expected to disrupt SALL1 protein function with a positive predictive value of 80%. In summary, the available evidence is currently insufficient to determine the role of this variant in disease. Therefore, it has been classified as a Variant of Uncertain Significance.

NM_002968.3(SALL1):c.2195G>A (p.Arg732Lys)

Gene: SALL1 (spalt like transcription factor 1; minus strand). Cytogenetic location: 16q12.1.
Variant type: single nucleotide variant.
Coding change: c.2195G>A on transcript NM_002968.3 (MANE Select); coding-DNA position 2195, G replaced by A.
Protein change: p.Arg732Lys; replaces arginine 732 with lysine.
Molecular consequence: missense variant.
Genome position (GRCh38, 1-based): chr16:51,140,027, C>T on the plus strand (G>A on the coding strand, the complement: SALL1 is on the minus strand). VCF-style: chr16-51140027-C-T. GRCh37 (hg19) VCF-style: chr16-51173938-C-T.
Other names: c.1904G>A, p.Arg635Lys (NM_001127892.2); short protein forms R635K, R732K.
Identifiers: ClinVar variation 2785997 (VCV002785997.3), dbSNP rs774950085, ClinGen allele CA8053147.